The following is an entry in ClinVar:

NM_000416.3(IFNGR1):c.411G>C (p.Glu137Asp)

Gene: IFNGR1 (interferon gamma receptor 1; minus strand). Cytogenetic location: 6q23.3.
Variant type: single nucleotide variant.
Coding change: c.411G>C on transcript NM_000416.3 (MANE Select); coding-DNA position 411, G replaced by C.
Protein change: p.Glu137Asp; replaces glutamic acid 137 with aspartic acid.
Molecular consequence: missense variant.
Genome position (GRCh38, 1-based): chr6:137,204,467, C>G on the plus strand (G>C on the coding strand, the complement: IFNGR1 is on the minus strand). VCF-style: chr6-137204467-C-G. GRCh37 (hg19) VCF-style: chr6-137525604-C-G.
Other names: c.381G>C, p.Glu127Asp (NM_001363526.1); c.288G>C, p.Glu96Asp (NM_001363527.1); short protein forms E137D, E127D, E96D.
Identifiers: ClinVar variation 495869 (VCV000495869.5), dbSNP rs746829359, ClinGen allele CA4018977.

ClinVar aggregate classification (germline): Uncertain significance. Review status: criteria provided, multiple submitters, no conflicts (2 of 4 stars). 2 submissions from 2 submitters: Uncertain significance (2). Last evaluated 2022-03-12.

Conditions:
Disseminated atypical mycobacterial infection. Identifiers: MedGen C0694566.

Allele frequency attached by ClinVar (database versions not stated): ExAC 0.00001; gnomAD exomes 0.00001.
gnomAD v4.1: 8 of 1,613,990 alleles (0.0005%); highest among the groups gnomAD compares: Non-Finnish European, 0.00068%; no homozygotes.

Submissions (2):

Labcorp Genetics (formerly Invitae), Labcorp
Classification: Uncertain significance for Disseminated atypical mycobacterial infection. Last evaluated: 2022-03-12. Review status: criteria provided, single submitter. Criteria: Invitae Variant Classification Sherloc (09022015). Collection method: clinical testing. Allele origin: germline.
Comment: This sequence change replaces glutamic acid, which is acidic and polar, with aspartic acid, which is acidic and polar, at codon 137 of the IFNGR1 protein (p.Glu137Asp). This variant is present in population databases (rs746829359, gnomAD 0.002%). In summary, the available evidence is currently insufficient to determine the role of this variant in disease. Therefore, it has been classified as a Variant of Uncertain Significance. Algorithms developed to predict the effect of missense changes on protein structure and function (SIFT, PolyPhen-2, Align-GVGD) all suggest that this variant is likely to be tolerated. ClinVar contains an entry for this variant (Variation ID: 495869). This variant has not been reported in the literature in individuals affected with IFNGR1-related conditions.

Women's Health and Genetics/Laboratory Corporation of America, LabCorp
Classification: Uncertain significance. Last evaluated: 2016-07-12. Review status: criteria provided, single submitter. Criteria: LabCorp Variant Classification Summary - May 2015. Collection method: clinical testing. Allele origin: germline.
Comment: Variant summary: The IFNGR1 c.411G>C (p.Glu137Asp) variant involves the alteration of a non-conserved nucleotide. 3/4 in silico tools predict a benign outcome (SNPs&GO not captured due to low reliability index). This variant was found in 1/121342 control chromosomes from the ExAC database at a frequency of 0.0000082, which is approximately 13 times the estimated maximal expected allele frequency of a pathogenic IFNGR1 variant (0.0000006), suggesting this variant may be a benign polymorphism. However, since there is only one occurrence and ExAC is a general population cohort, this one occurrence may be an affected individual. The variant of interest has not, to our knowledge, been reported in affected individuals via publications and/or reputable databases/clinical diagnostic laboratories; nor evaluated for functional impact by in vivo/vitro studies. Because of the absence of clinical information and the lack of functional studies, the variant was classified as a variant of uncertain significance (VUS) until additional information becomes available.